The following is an entry in ClinVar:

ClinVar aggregate classification (germline): Uncertain significance. Review status: criteria provided, multiple submitters, no conflicts (2 of 4 stars). 10 submissions from 10 submitters: Uncertain significance (10). Last evaluated 2025-12-26.

Conditions:
Cardiovascular phenotype. Identifiers: MedGen CN230736.
Hypertrophic cardiomyopathy 1 (CMH1). Also called: MYH7-Related Familial Hypertrophic Cardiomyopathy; Familial hypertrophic cardiomyopathy 1. Identifiers: MedGen C3495498, MONDO:0008647, OMIM 192600.
Congenital myopathy with fiber type disproportion. Also called: Congenital fiber-type disproportion; Congenital fiber-type disproportion myopathy. Identifiers: Orphanet 2020, MedGen C0546264, MONDO:0009711. Inheritance: all.
MYH7-related skeletal myopathy. Also called: Laing early-onset distal myopathy; MYOPATHY, DISTAL, EARLY-ONSET, AUTOSOMAL DOMINANT; MYOPATHY, LATE DISTAL HEREDITARY; Myopathy, distal, 1; Laing distal myopathy. Identifiers: Orphanet 59135, MedGen C4552004, MONDO:0008050, OMIM 160500.
Myosin storage myopathy (CMYO7A). Also called: Scapuloperoneal myopathy, MYH7-related; MYOPATHY WITH LYSIS OF TYPE I MYOFIBRILS; MYH7-related late-onset scapuloperoneal muscular dystrophy; Congenital myopathy 7A, myosin storage, autosomal dominant; SCAPULOPERONEAL MUSCULAR DYSTROPHY; SCAPULOPERONEAL SYNDROME, MYOPATHIC TYPE. Identifiers: Orphanet 437572, Orphanet 636965, MedGen C1842160, MONDO:0008409, OMIM 608358.
Dilated cardiomyopathy 1S (CMD1S). Identifiers: Orphanet 154, Orphanet 54260, MedGen C1834481, MONDO:0013262, OMIM 613426.
Myopathy, myosin storage, autosomal recessive (CMYO7B). Also called: CONGENITAL MYOPATHY 7B, MYOSIN STORAGE, AUTOSOMAL RECESSIVE. Identifiers: Orphanet 636970, MedGen C1850709, MONDO:0009708, OMIM 255160.
Cardiomyopathy (CMYO). Also called: Cardiomyopathies. Identifiers: Orphanet 167848, MedGen C0878544, MONDO:0004994, HP:0001638. Inheritance: Various modes of inheritance.
Hypertrophic cardiomyopathy. Also called: HYPERTROPHIC MYOCARDIOPATHY. Identifiers: Orphanet 217569, MedGen C0007194, MeSH D002312, MONDO:0005045, HP:0001639.

Allele frequency attached by ClinVar (database versions not stated): TOPMed below 0.00001; gnomAD exomes 0.00001; ExAC 0.00002.
gnomAD v4.1: 8 of 1,614,026 alleles (0.0005%); highest among the groups gnomAD compares: Admixed American, 0.0033%; no homozygotes.

Submissions (10):

Labcorp Genetics (formerly Invitae), Labcorp
Classification: Uncertain significance for Hypertrophic cardiomyopathy. Last evaluated: 2025-12-26. Review status: criteria provided, single submitter. Criteria: Invitae Variant Classification Sherloc (09022015). Collection method: clinical testing. Allele origin: germline.
Comment: This sequence change replaces arginine, which is basic and polar, with tryptophan, which is neutral and slightly polar, at codon 1818 of the MYH7 protein (p.Arg1818Trp). This variant is present in population databases (rs763073072, gnomAD 0.006%). This missense change has been observed in individual(s) with personal and/or family history of hypertrophic cardiomyopathy (PMID: 24111713, 28356264, 28790153, 28971120). ClinVar contains an entry for this variant (Variation ID: 217826). Invitae Evidence Modeling of protein sequence and biophysical properties (such as structural, functional, and spatial information, amino acid conservation, physicochemical variation, residue mobility, and thermodynamic stability) indicates that this missense variant is expected to disrupt MYH7 protein function with a positive predictive value of 95%. In summary, the available evidence is currently insufficient to determine the role of this variant in disease. Therefore, it has been classified as a Variant of Uncertain Significance.

CeGaT Center for Human Genetics Tuebingen
Classification: Uncertain significance. Last evaluated: 2025-09-01. Review status: criteria provided, single submitter. Criteria: CeGaT Center For Human Genetics Tuebingen Variant Classification Criteria Version 2. Collection method: clinical testing. Allele origin: germline. Affected: yes. Observed: 1 variant allele.
Comment: MYH7: PM2:Supporting

Color Diagnostics, LLC DBA Color Health
Classification: Uncertain significance for Cardiomyopathy. Last evaluated: 2025-06-04. Review status: criteria provided, single submitter. Criteria: ACMG Guidelines, 2015. Collection method: clinical testing. Allele origin: germline.
Comment: This missense variant replaces arginine with tryptophan at codon 1818 of the MYH7 protein. Computational prediction suggests that this variant may have a deleterious impact on protein structure and function. To our knowledge, functional studies have not been reported for this variant. This variant has been reported in individuals affected with hypertrophic cardiomyopathy (PMID: 24111713, 28356264, 28408708, 28790153, 28971120, 30327538). One of these individuals also carried an additional variant in the MYH7 gene (PMID: 28408708, 28790153, 30327538). This variant has been identified in 2/251394 chromosomes in the general population by the Genome Aggregation Database (gnomAD). The available evidence is insufficient to determine the role of this variant in disease conclusively. Therefore, this variant is classified as a Variant of Uncertain Significance.

GeneDx
Classification: Uncertain significance. Last evaluated: 2024-07-17. Review status: criteria provided, single submitter. Criteria: GeneDx Variant Classification Process June 2021. Collection method: clinical testing. Allele origin: germline. Affected: yes.
Comment: Reported in association with hypertrophic cardiomyopathy; however, the p.(R1818W) variant did not segregate with disease in one family (PMID: 24111713, 28790153); Not observed at significant frequency in large population cohorts (gnomAD); In silico analysis supports that this missense variant has a deleterious effect on protein structure/function; This variant is associated with the following publications: (PMID: 28971120, 28790153, 28356264, 30327538, 28408708, 38612618, 24111713)

All of Us Research Program, National Institutes of Health
Classification: Uncertain significance for Cardiomyopathy. Last evaluated: 2024-01-11. Review status: criteria provided, single submitter. Criteria: ACMG Guidelines, 2015. Collection method: clinical testing. Allele origin: germline. Inheritance: Autosomal dominant inheritance. Observed: 4 variant alleles, 4 heterozygotes.
Comment: This missense variant replaces arginine with tryptophan at codon 1818 of the MYH7 protein. Computational prediction suggests that this variant may have deleterious impact on protein structure and function (internally defined REVEL score threshold >= 0.7, PMID: 27666373). To our knowledge, functional studies have not been reported for this variant. This variant has been reported in individuals affected with hypertrophic cardiomyopathy (PMID: 24111713, 28356264, 28408708, 28790153, 28971120, 30327538). One of these individuals also carried an additional variant in the MYH7 gene (PMID: 28408708, 28790153, 30327538). This variant has been identified in 2/251394 chromosomes in the general population by the Genome Aggregation Database (gnomAD). The available evidence is insufficient to determine the role of this variant in disease conclusively. Therefore, this variant is classified as a Variant of Uncertain Significance.

This study involves interpretation of variants in research participants for the purpose of population health screening. Participant phenotype was not available at the time of variant classification. Additional details can be found in publication PMID: 35346344, PMCID: PMC8962531

Fulgent Genetics
Classification: Uncertain significance for MYH7-related skeletal myopathy; Myosin storage myopathy; Hypertrophic cardiomyopathy 1; Myopathy, myosin storage, autosomal recessive; Congenital myopathy 4A, autosomal dominant; Dilated cardiomyopathy 1S. Last evaluated: 2021-11-14. Review status: criteria provided, single submitter. Criteria: ACMG Guidelines, 2015. Collection method: clinical testing. Allele origin: unknown.

Ambry Genetics
Classification: Uncertain significance for Cardiovascular phenotype. Last evaluated: 2019-08-19. Review status: criteria provided, single submitter. Criteria: Ambry Variant Classification Scheme 2023. Collection method: clinical testing. Allele origin: germline.
Comment: The p.R1818W variant (also known as c.5452C>T), located in coding exon 35 of the MYH7 gene, results from a C to T substitution at nucleotide position 5452. The arginine at codon 1818 is replaced by tryptophan, an amino acid with dissimilar properties. This alteration has been reported in several hypertrophic cardiomyopathy (HCM) cohorts; however, clinical data was limited (Berge KE and TP Leren. Clin Genet. 2014;86(4):355-60; G&oacute;mez J et al. Circ Cardiovasc Genet, 2017 Apr;10:e001584). This variant has also been detected in a proband with HCM who was heterozygous for a second alteration in MYH7 (Burns C et al. Circ Cardiovasc Genet, 2017 Aug;10:e001666). This amino acid position is well conserved in available vertebrate species. In addition, this alteration is predicted to be deleterious by in silico analysis. Since supporting evidence is limited at this time, the clinical significance of this alteration remains unclear.

Agnes Ginges Centre for Molecular Cardiology, Centenary Institute
Classification: Uncertain significance for Hypertrophic cardiomyopathy 1. Last evaluated: 2019-01-18. Review status: criteria provided, single submitter. Criteria: ACMG Guidelines, 2015. Collection method: research. Allele origin: germline. Inheritance: Autosomal dominant inheritance. Affected: yes.
Comment: MYH7 Arg1818Trp has been reported in 2 HCM probands (Berge & Leren, 2014; Gomez et al., 2014). GeneDx report this variant in 1 DCM proband who harboured additional variants in RYR2 and DSG2, furthermore they found the variant did not segregate to an affected relative (Pers. Comm.) The variant is present in the Genome Aggregation Database, at an allele frequency of 0.0000081. In silico tools SIFT, PolyPhen-2, PolyPhen-HCM and MutationTaster predict this variant to be deleterious. Based on the adapted ACMG criteria (Kelly MA, et al., 2018) this variant is rare in the general population (PM2), is predicted to be deleterious by multiple in silico tools (PP3), has been reported in at least 2 HCM probands, without additional plausible variants (PS4_Supporting), however in 2 cases the variant was found alongside other suspicious variants and did not segregate to an affected family member, therefore we classify MYH7 Arg181Trp as a variant of 'uncertain significance'.

Eurofins Ntd Llc (ga)
Classification: Uncertain significance. Last evaluated: 2016-08-18. Review status: criteria provided, single submitter. Criteria: EGL Classification Definitions 2015. Collection method: clinical testing. Allele origin: germline. Observed: 1 variant allele, 1 heterozygote.

Stanford Center for Inherited Cardiovascular Disease, Stanford University
Classification: Uncertain significance. Last evaluated: 2012-05-30. Review status: criteria provided, single submitter. Criteria: ACMG Guidelines, 2015. Collection method: provider interpretation. Allele origin: germline.

Literature cited by the submitters: PubMed 24111713 (cited by 5 submitters); PubMed 28356264 (cited by 5 submitters); PubMed 28790153 (cited by 4 submitters); PubMed 28971120 (cited by 5 submitters); PubMed 28408708 (cited by 4 submitters); PubMed 30327538 (cited by 3 submitters).

NM_000257.4(MYH7):c.5452C>T (p.Arg1818Trp)

Gene: MYH7 (myosin heavy chain 7; minus strand). Cytogenetic location: 14q11.2.
Variant type: single nucleotide variant.
Coding change: c.5452C>T on transcript NM_000257.4 (MANE Select); coding-DNA position 5452, C replaced by T.
Protein change: p.Arg1818Trp; replaces arginine 1818 with tryptophan.
Molecular consequence: missense variant.
Genome position (GRCh38, 1-based): chr14:23,415,102, G>A on the plus strand (C>T on the coding strand, the complement: MYH7 is on the minus strand). VCF-style: chr14-23415102-G-A. GRCh37 (hg19) VCF-style: chr14-23884311-G-A.
Other names: c.5452C>T (LRG_384t1); short protein forms R1818W.
Identifiers: ClinVar variation 217826 (VCV000217826.31), dbSNP rs763073072, ClinGen allele CA046814.
Genomic context (GRCh38, chr14:23,415,102, plus strand): 5'-TCACCGACTCTGCGTTGCGCTTCTGCTCGGCCTCCAGCTCATTCTCCAGCTCCCGCACCC[G>A]CGCTTCCAGCTTCTGCAGCTGCTTCTTGCCGCCCTTGAGGGCGATCTGCTCGGCTTCGTC-3'
Protein context (NP_000248.2, residues 1808-1828): GKKQLQKLEA[Arg1818Trp]VRELENELEA